The following is an entry in ClinVar:

NM_007327.4(GRIN1):c.722C>T (p.Thr241Met)

Gene: GRIN1 (glutamate ionotropic receptor NMDA type subunit 1; plus strand). Cytogenetic location: 9q34.3.
Variant type: single nucleotide variant.
Coding change: c.722C>T on transcript NM_007327.4 (MANE Select); coding-DNA position 722, C replaced by T.
Protein change: p.Thr241Met; replaces threonine 241 with methionine.
Molecular consequence: missense variant.
Genome position (GRCh38, 1-based): chr9:137,156,719, C>T. VCF-style: chr9-137156719-C-T. GRCh37 (hg19) VCF-style: chr9-140051171-C-T.
Other names: c.722C>T, p.Thr241Met (NM_000832.7, NM_021569.4); c.785C>T, p.Thr262Met (NM_001185090.2, NM_001185091.2); short protein forms T241M, T262M.
Identifiers: ClinVar variation 1306459 (VCV001306459.2), dbSNP rs1228808440, ClinGen allele CA375714726.

ClinVar aggregate classification (germline): Uncertain significance (1 of 4 stars; one submission).

Submission:

GeneDx
Classification: Uncertain significance. Last evaluated: 2019-06-20. Review status: criteria provided, single submitter. Criteria: GeneDx Variant Classification Process June 2021. Collection method: clinical testing. Allele origin: germline. Affected: yes.
Comment: Not observed in large population cohorts (Lek et al., 2016); In silico analysis, which includes protein predictors and evolutionary conservation, supports a deleterious effect; Has not been previously published as pathogenic or benign to our knowledge